The following is an entry in ClinVar:

NM_005343.4(HRAS):c.228G>A (p.Glu76=)

Genes: HRAS (HRas proto-oncogene, GTPase; minus strand), LRRC56 (leucine rich repeat containing 56; plus strand). Cytogenetic location: 11p15.5.
Variant type: single nucleotide variant.
Coding change: c.228G>A on transcript NM_005343.4 (MANE Select); coding-DNA position 228, G replaced by A.
Protein change: p.Glu76=; no amino-acid change (glutamic acid 76 retained).
Molecular consequence: synonymous variant. On other transcripts: 5 prime UTR variant (1).
Genome position (GRCh38, 1-based): chr11:533,828, C>T on the plus strand (G>A on the coding strand, the complement: HRAS is on the minus strand). VCF-style: chr11-533828-C-T. GRCh37 (hg19) VCF-style: chr11-533828-C-T.
Other names: c.228G>A, p.Glu76= (NM_001130442.3, NM_176795.5); c.-92G>A (NM_001318054.2).
Identifiers: ClinVar variation 386770 (VCV000386770.10), dbSNP rs1057522598, ClinGen allele CA16606255.

ClinVar aggregate classification (germline): Likely benign. Review status: criteria provided, multiple submitters, no conflicts (2 of 4 stars). 3 submissions from 3 submitters: Likely benign (3). Last evaluated 2026-08-08.

Conditions:
Cardiovascular phenotype. Identifiers: MedGen CN230736.
Costello syndrome (CSTLO). Also called: FCS SYNDROME; HRAS-Related Costello Syndrome; FACIOCUTANEOSKELETAL SYNDROME. Identifiers: Orphanet 3071, MedGen C0587248, MONDO:0009026, OMIM 218040.

Allele frequency attached by ClinVar (database versions not stated): gnomAD exomes below 0.00001; gnomAD 0.00001.

Submissions (3):

Ambry Genetics
Classification: Likely benign for Cardiovascular phenotype. Last evaluated: 2026-08-08. Review status: criteria provided, single submitter. Criteria: Ambry Variant Classification Scheme 2023. Collection method: clinical testing. Allele origin: germline.

Labcorp Genetics (formerly Invitae), Labcorp
Classification: Likely benign for Costello syndrome. Last evaluated: 2025-12-29. Review status: criteria provided, single submitter. Criteria: Invitae Variant Classification Sherloc (09022015). Collection method: clinical testing. Allele origin: germline.

GeneDx
Classification: Likely benign. Last evaluated: 2017-07-06. Review status: criteria provided, single submitter. Criteria: GeneDx Variant Classification (06012015). Collection method: clinical testing. Allele origin: germline. Affected: yes.
Comment: This variant is considered likely benign or benign based on one or more of the following criteria: it is a conservative change, it occurs at a poorly conserved position in the protein, it is predicted to be benign by multiple in silico algorithms, and/or has population frequency not consistent with disease.